The following is an entry in ClinVar:

NM_000548.5(TSC2):c.2635T>C (p.Ser879Pro)

Gene: TSC2 (TSC complex subunit 2; plus strand). Cytogenetic location: 16p13.3.
Variant type: single nucleotide variant.
Coding change: c.2635T>C on transcript NM_000548.5 (MANE Select); coding-DNA position 2635, T replaced by C.
Protein change: p.Ser879Pro; replaces serine 879 with proline.
Molecular consequence: missense variant.
Genome position (GRCh38, 1-based): chr16:2,075,888, T>C. VCF-style: chr16-2075888-T-C. GRCh37 (hg19) VCF-style: chr16-2125889-T-C.
Other names: c.2635T>C, p.Ser879Pro (NM_001077183.3, NM_001114382.3, NM_001363528.2 and 3 more transcripts); c.2524T>C, p.Ser842Pro (NM_001318827.2); c.2488T>C, p.Ser830Pro (NM_001318829.2); c.2035T>C, p.Ser679Pro (NM_001318831.2); c.2668T>C, p.Ser890Pro (NM_001318832.2); c.2635T>C (NM_000548.3); short protein forms S679P, S830P, S842P, S879P, S890P.
Identifiers: ClinVar variation 1057006 (VCV001057006.13), dbSNP rs2151382181, ClinGen allele CA394278478.
Genomic context (GRCh38, chr16:2,075,888, plus strand): 5'-AACTTTGCCGCGGAGCAGTATGCCAGTGTGTTCGCCATCTCCCTGCCGTACACCAACCCC[T>C]CCAAGTGAGTGGTCGCCCCAGGCCCTGTGCCTCCCAGCCGTGGCCCCCGCTAGGCCTTGC-3'
Protein context (NP_000539.2, residues 869-889): FAISLPYTNP[Ser879Pro]KFNQYIVCLA

ClinVar aggregate classification (germline): Uncertain significance. Review status: criteria provided, multiple submitters, no conflicts (2 of 4 stars). 3 submissions from 3 submitters: Uncertain significance (3). Last evaluated 2026-07-06.

Conditions:
Tuberous sclerosis 2 (TSC2). Identifiers: Orphanet 805, MedGen C1860707, MONDO:0013199, OMIM 613254.
Hereditary cancer-predisposing syndrome. Also called: Tumor predisposition; Hereditary Cancer Syndrome; Hereditary neoplastic syndrome; Neoplastic Syndromes, Hereditary. Identifiers: Orphanet 140162, MedGen C0027672, MeSH D009386, MONDO:0015356.

gnomAD v4.1: 1 of 1,613,024 alleles (0.000062%); highest among the groups gnomAD compares: African/African-American, 0.0013%; no homozygotes.

Submissions (3):

Ambry Genetics
Classification: Uncertain significance for Hereditary cancer-predisposing syndrome. Last evaluated: 2026-07-06. Review status: criteria provided, single submitter. Criteria: Ambry Variant Classification Scheme 2023. Collection method: clinical testing. Allele origin: germline.
Comment: The p.S879P variant (also known as c.2635T>C), located in coding exon 22 of the TSC2 gene, results from a T to C substitution at nucleotide position 2635. The serine at codon 879 is replaced by proline, an amino acid with similar properties. This amino acid position is conserved. In addition, this alteration is predicted to be deleterious by in silico analysis. Based on the available evidence, the clinical significance of this variant remains unclear.

Labcorp Genetics (formerly Invitae), Labcorp
Classification: Uncertain significance for Tuberous sclerosis 2. Last evaluated: 2025-10-27. Review status: criteria provided, single submitter. Criteria: Invitae Variant Classification Sherloc (09022015). Collection method: clinical testing. Allele origin: germline.
Comment: This sequence change replaces serine, which is neutral and polar, with proline, which is neutral and non-polar, at codon 879 of the TSC2 protein (p.Ser879Pro). This variant is not present in population databases (gnomAD no frequency). This variant has not been reported in the literature in individuals affected with TSC2-related conditions. ClinVar contains an entry for this variant (Variation ID: 1057006). Invitae Evidence Modeling of protein sequence and biophysical properties (such as structural, functional, and spatial information, amino acid conservation, physicochemical variation, residue mobility, and thermodynamic stability) indicates that this missense variant is not expected to disrupt TSC2 protein function with a negative predictive value of 95%. In summary, the available evidence is currently insufficient to determine the role of this variant in disease. Therefore, it has been classified as a Variant of Uncertain Significance.

GeneDx
Classification: Uncertain significance. Last evaluated: 2025-04-24. Review status: criteria provided, single submitter. Criteria: GeneDx Variant Classification Process June 2021. Collection method: clinical testing. Allele origin: germline. Affected: yes.
Comment: Not observed at significant frequency in large population cohorts (gnomAD); In silico analysis supports that this missense variant has a deleterious effect on protein structure/function; Has not been previously published as pathogenic or benign to our knowledge